The following is an entry in ClinVar:

NM_170707.4(LMNA):c.56C>T (p.Thr19Ile)

Genes: LMNA (lamin A/C; plus strand), LOC129931597 (ATAC-STARR-seq lymphoblastoid silent region 1421; plus strand). Cytogenetic location: 1q22.
Variant type: single nucleotide variant.
Coding change: c.56C>T on transcript NM_170707.4 (MANE Select); coding-DNA position 56, C replaced by T.
Protein change: p.Thr19Ile; replaces threonine 19 with isoleucine.
Molecular consequence: missense variant. On other transcripts: 5 prime UTR variant (8), intron variant (2).
Genome position (GRCh38, 1-based): chr1:156,114,974, C>T. VCF-style: chr1-156114974-C-T. GRCh37 (hg19) VCF-style: chr1-156084765-C-T.
Other names: c.56C>T, p.Thr19Ile (NM_001282625.2, NM_001282626.2, NM_001406983.1 and 6 more transcripts); c.-368C>T (NM_001406986.1); c.-346C>T (NM_001406990.1, NM_001406995.1, NM_001407002.1); c.-609C>T (NM_001406994.1, NM_001407000.1); c.-789C>T (NM_001406999.1); c.-452C>T (NM_001407001.1); c.-203+8151C>T (NM_001406993.1, NM_001407003.1); short protein forms T19I.
Identifiers: ClinVar variation 4758008 (VCV004758008.1).

ClinVar aggregate classification (germline): Uncertain significance (1 of 4 stars; one submission).

Conditions:
Cardiomyopathy (CMYO). Also called: Cardiomyopathies. Identifiers: Orphanet 167848, MedGen C0878544, MONDO:0004994, HP:0001638. Inheritance: Various modes of inheritance.

Submission:

Color Diagnostics, LLC DBA Color Health
Classification: Uncertain significance for Cardiomyopathy. Last evaluated: 2025-09-13. Review status: criteria provided, single submitter. Criteria: ACMG Guidelines, 2015. Collection method: clinical testing. Allele origin: germline.
Comment: This missense variant replaces threonine with isoleucine at codon 19 of the LMNA protein. Computational prediction is inconclusive regarding the impact of this variant on protein structure and function. To our knowledge, functional studies have not been reported for this variant. This variant has not been reported in individuals affected with LMNA-related disorders in the literature. This variant has been identified in 1/212088 chromosomes in the general population by the Genome Aggregation Database (gnomAD). The available evidence is insufficient to determine the role of this variant in disease conclusively. Therefore, this variant is classified as a Variant of Uncertain Significance.